The following is an entry in ClinVar:

NM_001042492.3(NF1):c.7249C>G (p.Leu2417Val)

Gene: NF1 (neurofibromin 1; plus strand). Cytogenetic location: 17q11.2.
Variant type: single nucleotide variant.
Coding change: c.7249C>G on transcript NM_001042492.3 (MANE Select); coding-DNA position 7249, C replaced by G.
Protein change: p.Leu2417Val; replaces leucine 2417 with valine.
Molecular consequence: missense variant.
Genome position (GRCh38, 1-based): chr17:31,349,179, C>G. VCF-style: chr17-31349179-C-G. GRCh37 (hg19) VCF-style: chr17-29676197-C-G.
Other names: c.7186C>G, p.Leu2396Val (NM_000267.4); short protein forms L2396V, L2417V.
Identifiers: ClinVar variation 846034 (VCV000846034.8), dbSNP rs2070075539, ClinGen allele CA399016772.

ClinVar aggregate classification (germline): Uncertain significance. Review status: criteria provided, multiple submitters, no conflicts (2 of 4 stars). 3 submissions from 3 submitters: Uncertain significance (3). Last evaluated 2026-06-14.

Conditions:
Hereditary cancer-predisposing syndrome. Also called: Tumor predisposition; Neoplastic Syndromes, Hereditary; Hereditary neoplastic syndrome; Hereditary Cancer Syndrome. Identifiers: Orphanet 140162, MedGen C0027672, MeSH D009386, MONDO:0015356.
Cardiovascular phenotype. Identifiers: MedGen CN230736.
Neurofibromatosis, type 1 (NF1). Also called: Peripheral type neurofibromatosis; Neurofibromatosis, type I; NEUROFIBROMATOSIS, TYPE I, SOMATIC; VON RECKLINGHAUSEN DISEASE. Identifiers: Orphanet 636, MedGen C0027831, MONDO:0018975, OMIM 162200. Disease mechanism: loss of function.
Café-au-lait macules with pulmonary stenosis (WTSN). Also called: PULMONIC STENOSIS WITH CAFE-AU-LAIT SPOTS. Identifiers: MedGen C0553586, MONDO:0008672, OMIM 193520.
Neurofibromatosis, familial spinal (FSNF). Identifiers: Orphanet 636, MedGen C1834235, MONDO:0008078, OMIM 162210. Disease mechanism: loss of function.
Juvenile myelomonocytic leukemia (JMML). Also called: LEUKEMIA, JUVENILE MYELOMONOCYTIC, SOMATIC. Identifiers: Orphanet 86834, MedGen C0349639, MONDO:0011908, OMIM 607785, HP:0012209.
Neurofibromatosis-Noonan syndrome (NFNS). Also called: NEUROFIBROMATOSIS WITH NOONAN PHENOTYPE. Identifiers: Orphanet 638, MedGen C2931482, MONDO:0011035, OMIM 601321. Disease mechanism: loss of function.

Submissions (3):

Ambry Genetics
Classification: Uncertain significance for Cardiovascular phenotype; Hereditary cancer-predisposing syndrome. Last evaluated: 2026-06-14. Review status: criteria provided, single submitter. Criteria: Ambry Variant Classification Scheme 2023. Collection method: clinical testing. Allele origin: germline.
Comment: The p.L2396V variant (also known as c.7186C>G), located in coding exon 48 of the NF1 gene, results from a C to G substitution at nucleotide position 7186. The leucine at codon 2396 is replaced by valine, an amino acid with highly similar properties. This amino acid position is conserved. In addition, the in silico prediction for this alteration is inconclusive. Based on the available evidence, the clinical significance of this variant remains unclear.

Labcorp Genetics (formerly Invitae), Labcorp
Classification: Uncertain significance for Neurofibromatosis, type 1. Last evaluated: 2024-07-30. Review status: criteria provided, single submitter. Criteria: Invitae Variant Classification Sherloc (09022015). Collection method: clinical testing. Allele origin: germline.
Comment: This sequence change replaces leucine, which is neutral and non-polar, with valine, which is neutral and non-polar, at codon 2396 of the NF1 protein (p.Leu2396Val). This variant is not present in population databases (gnomAD no frequency). This variant has not been reported in the literature in individuals affected with NF1-related conditions. ClinVar contains an entry for this variant (Variation ID: 846034). Advanced modeling of protein sequence and biophysical properties (such as structural, functional, and spatial information, amino acid conservation, physicochemical variation, residue mobility, and thermodynamic stability) has been performed at Invitae for this missense variant, however the output from this modeling did not meet the statistical confidence thresholds required to predict the impact of this variant on NF1 protein function. In summary, the available evidence is currently insufficient to determine the role of this variant in disease. Therefore, it has been classified as a Variant of Uncertain Significance.

Fulgent Genetics
Classification: Uncertain significance for Neurofibromatosis, type 1; Neurofibromatosis, familial spinal; Café-au-lait macules with pulmonary stenosis; Neurofibromatosis-Noonan syndrome; Juvenile myelomonocytic leukemia. Last evaluated: 2024-02-20. Review status: criteria provided, single submitter. Criteria: ACMG Guidelines, 2015. Collection method: clinical testing. Allele origin: germline.